The following is an entry in ClinVar:

ClinVar aggregate classification (germline): Uncertain significance. Review status: criteria provided, multiple submitters, no conflicts (2 of 4 stars). 3 submissions from 3 submitters: Uncertain significance (3). Last evaluated 2026-01-29.

Conditions:
Emery-Dreifuss muscular dystrophy 4, autosomal dominant (EDMD4). Also called: EMERY-DREIFUSS MUSCULAR DYSTROPHY 4 WITH VARIABLE FEATURES. Identifiers: Orphanet 261, MedGen C2751807, MONDO:0013071, OMIM 612998.
Autosomal recessive ataxia, Beauce type. Also called: SYNE1-Related Autosomal Recessive Cerebellar Ataxia; ATAXIA, RECESSIVE, OF BEAUCE; Spinocerebellar ataxia, autosomal recessive 8; SYNE1 Deficiency. Identifiers: Orphanet 88644, MedGen C1853116, MONDO:0012549, OMIM 610743.

Allele frequency attached by ClinVar (database versions not stated): ExAC 0.00006; TOPMed 0.00002.
gnomAD v4.1: 29 of 1,613,064 alleles (0.0018%); highest among the groups gnomAD compares: Non-Finnish European, 0.0025%; no homozygotes.

Submissions (3):

GeneDx
Classification: Uncertain significance. Last evaluated: 2026-01-29. Review status: criteria provided, single submitter. Criteria: GeneDx Variant Classification Process June 2021. Collection method: clinical testing. Allele origin: germline.
Comment: In silico analysis supports that this missense variant has a deleterious effect on protein structure/function; Has not been previously published as pathogenic or benign to our knowledge

Labcorp Genetics (formerly Invitae), Labcorp
Classification: Uncertain significance for Emery-Dreifuss muscular dystrophy 4, autosomal dominant; Autosomal recessive ataxia, Beauce type. Last evaluated: 2022-03-14. Review status: criteria provided, single submitter. Criteria: Invitae Variant Classification Sherloc (09022015). Collection method: clinical testing. Allele origin: germline.
Comment: This sequence change replaces isoleucine, which is neutral and non-polar, with serine, which is neutral and polar, at codon 5549 of the SYNE1 protein (p.Ile5549Ser). This variant is present in population databases (rs765080468, gnomAD 0.01%). In summary, the available evidence is currently insufficient to determine the role of this variant in disease. Therefore, it has been classified as a Variant of Uncertain Significance. Algorithms developed to predict the effect of missense changes on protein structure and function are either unavailable or do not agree on the potential impact of this missense change (SIFT: "Deleterious"; PolyPhen-2: "Benign"; Align-GVGD: "Class C65"). ClinVar contains an entry for this variant (Variation ID: 598199). This variant has not been reported in the literature in individuals affected with SYNE1-related conditions.

Eurofins Ntd Llc (ga)
Classification: Uncertain significance. Last evaluated: 2018-07-31. Review status: criteria provided, single submitter. Criteria: EGL ClinVar v180209 classification definitions. Collection method: clinical testing. Allele origin: germline. Observed: 1 variant allele, 1 heterozygote.

NM_182961.4(SYNE1):c.16859T>G (p.Ile5620Ser)

Genes: SYNE1 (spectrin repeat containing nuclear envelope protein 1; minus strand), LOC126859837 (BRD4-independent group 4 enhancer GRCh37_chr6:152630775-152631974; plus strand). Cytogenetic location: 6q25.2.
Variant type: single nucleotide variant.
Coding change: c.16859T>G on transcript NM_182961.4 (MANE Select); coding-DNA position 16859, T replaced by G.
Protein change: p.Ile5620Ser; replaces isoleucine 5620 with serine.
Molecular consequence: missense variant.
Genome position (GRCh38, 1-based): chr6:152,310,725, A>C on the plus strand (T>G on the coding strand, the complement: SYNE1 is on the minus strand). VCF-style: chr6-152310725-A-C. GRCh37 (hg19) VCF-style: chr6-152631860-A-C.
Other names: c.16646T>G, p.Ile5549Ser (NM_033071.5); c.16646T>G (NM_033071.3); short protein forms I5549S, I5620S.
Identifiers: ClinVar variation 598199 (VCV000598199.11), dbSNP rs765080468, ClinGen allele CA4055419.